The following is an entry in ClinVar:

ClinVar aggregate classification (germline): Benign/Likely benign. Review status: criteria provided, multiple submitters, no conflicts (2 of 4 stars). 6 submissions from 6 submitters: Benign (2); Likely benign (3). 1 of the submissions does not count toward it. Last evaluated 2026-01-24.

Conditions:
ITGB4-related disorder. Also called: ITGB4-related condition.
Junctional epidermolysis bullosa with pyloric atresia. Also called: CARMI SYNDROME; EPIDERMOLYSIS BULLOSA, JUNCTIONAL 5B, WITH PYLORIC ATRESIA; APLASIA CUTIS CONGENITA WITH GASTROINTESTINAL ATRESIA; EB-PA-ACC; ITGB4-Related Epidermolysis Bullosa with Pyloric Atresia; Epidermolysis bullosa, junctional, with pyloric atresia and aplasia cutis congenita. Identifiers: Orphanet 79403, MedGen C5676875, MONDO:0009183, OMIM 226730.

Allele frequency attached by ClinVar (database versions not stated): ESP Exome Variant Server 0.00015; gnomAD 0.00028 and 0.00056; TOPMed 0.00041; gnomAD exomes 0.00087 and 0.00174; ExAC 0.00193; 1000 Genomes Project 0.00200; 1000 Genomes Project 30x 0.00234.

Submissions (6):

Labcorp Genetics (formerly Invitae), Labcorp
Classification: Benign. Last evaluated: 2026-01-24. Review status: criteria provided, single submitter. Criteria: Invitae Variant Classification Sherloc (09022015). Collection method: clinical testing. Allele origin: germline.

Blueprint Genetics
Classification: Likely benign. Last evaluated: 2024-11-07. Review status: criteria provided, single submitter. Criteria: ACMG Guidelines, 2015. Collection method: clinical testing. Allele origin: germline.

GeneDx
Classification: Likely benign. Last evaluated: 2021-03-29. Review status: criteria provided, single submitter. Criteria: GeneDx Variant Classification Process June 2021. Collection method: clinical testing. Allele origin: germline. Affected: yes.

Illumina Laboratory Services, Illumina
Classification: Benign for Junctional epidermolysis bullosa with pyloric atresia. Last evaluated: 2018-01-13. Review status: criteria provided, single submitter. Criteria: ICSL Variant Classification Criteria 13 December 2019. Collection method: clinical testing. Allele origin: germline.
Comment: This variant was observed in the ICSL laboratory as part of a predisposition screen in an ostensibly healthy population. It had not been previously curated by ICSL or reported in the Human Gene Mutation Database (HGMD: prior to June 1st, 2018), and was therefore a candidate for classification through an automated scoring system. Utilizing variant allele frequency, disease prevalence and penetrance estimates, and inheritance mode, an automated score was calculated to assess if this variant is too frequent to cause the disease. Based on the score and internal cut-off values, a variant classified as benign is not then subjected to further curation. The score for this variant resulted in a classification of benign for this disease.

Breakthrough Genomics
Classification: Likely benign. Review status: criteria provided, single submitter. Criteria: ACMG Guidelines, 2015. Collection method: not provided. Allele origin: germline. Inheritance: Autosomal recessive inheritance. Affected: yes.

PreventionGenetics, part of Exact Sciences
Classification: Benign for ITGB4-related condition. Last evaluated: 2019-03-20. Review status: no assertion criteria provided. Collection method: clinical testing. Allele origin: germline. Not counted in ClinVar's aggregate classification.
Comment: This variant is classified as benign based on ACMG/AMP sequence variant interpretation guidelines (Richards et al. 2015 PMID: 25741868, with internal and published modifications).

NM_000213.5(ITGB4):c.1056G>A (p.Ser352=)

Gene: ITGB4 (integrin subunit beta 4; plus strand). Cytogenetic location: 17q25.1.
Variant type: single nucleotide variant.
Coding change: c.1056G>A on transcript NM_000213.5 (MANE Select); coding-DNA position 1056, G replaced by A.
Protein change: p.Ser352=; no amino-acid change (serine 352 retained).
Molecular consequence: synonymous variant.
Genome position (GRCh38, 1-based): chr17:75,730,928, G>A. VCF-style: chr17-75730928-G-A. GRCh37 (hg19) VCF-style: chr17-73727009-G-A.
Other names: c.1056G>A, p.Ser352= (NM_001005619.2, NM_001005731.3, NM_001321123.2).
Identifiers: ClinVar variation 325129 (VCV000325129.20), dbSNP rs187527294, ClinGen allele CA8768859.